The following is an entry in ClinVar:

ClinVar aggregate classification (germline): Uncertain significance (0 of 4 stars; one submission).

Conditions:
WDPCP-related disorder. Also called: WDPCP-related condition.

gnomAD v4.1: 2 of 152,004 alleles (0.0013%); highest among the groups gnomAD compares: African/African-American, 0.0024%; no homozygotes.

Submission:

PreventionGenetics, part of Exact Sciences
Classification: Uncertain significance for WDPCP-related condition. Last evaluated: 2024-08-15. Review status: no assertion criteria provided. Collection method: clinical testing. Allele origin: germline.
Comment: The WDPCP c.1756C>A variant is predicted to result in the amino acid substitution p.Leu586Ile. To our knowledge, this variant has not been reported in the literature or in a large population database, indicating this variant is rare. At this time, the clinical significance of this variant is uncertain due to the absence of conclusive functional and genetic evidence.

NM_015910.7(WDPCP):c.1748+18317C>A

Gene: WDPCP (WD repeat containing planar cell polarity effector; minus strand). Cytogenetic location: 2p15.
Variant type: single nucleotide variant.
Coding change: c.1748+18317C>A on transcript NM_015910.7 (MANE Select); 18317 bases into the intron after coding-DNA position 1748, C replaced by A.
Molecular consequence: intron variant. On other transcripts: missense variant (1).
Genome position (GRCh38, 1-based): chr2:63,360,069, G>T on the plus strand (C>A on the coding strand, the complement: WDPCP is on the minus strand). VCF-style: chr2-63360069-G-T. GRCh37 (hg19) VCF-style: chr2-63587204-G-T.
Other names: c.1756C>A, p.Leu586Ile (NM_001354045.2); c.1676+18317C>A (NM_001354044.2); c.1271+18317C>A (NM_001042692.3); short protein forms L586I.
Identifiers: ClinVar variation 3347841 (VCV003347841.1).
Genomic context (GRCh38, chr2:63,360,069, plus strand): 5'-GATGGAGGTGGCAATGAACCGCGATCACATCACTGCACTCCAGCCTGGGCGACAAGGCAA[G>T]ACTCCATCTAAAAAAAAAAATTGTACTTTATAAAATAACATTTCTTAGGAGAGTCAGACT-3'